The following is an entry in ClinVar:

NM_000540.3(RYR1):c.5548-261A>T

Gene: RYR1 (ryanodine receptor 1; plus strand). Cytogenetic location: 19q13.2.
Variant type: single nucleotide variant.
Coding change: c.5548-261A>T on transcript NM_000540.3 (MANE Select); 261 bases into the intron before coding-DNA position 5548, A replaced by T.
Molecular consequence: intron variant.
Genome position (GRCh38, 1-based): chr19:38,488,916, A>T. VCF-style: chr19-38488916-A-T. GRCh37 (hg19) VCF-style: chr19-38979556-A-T.
Other names: c.5548-261A>T (NM_001042723.2).
Identifiers: ClinVar variation 680759 (VCV000680759.1), dbSNP rs34370689, ClinGen allele CA14675926.
Genomic context (GRCh38, chr19:38,488,916, plus strand): 5'-GGCGTAGGGTGTGTCCTGGGCCAGAGGACACAGCACATGCTTAGGCTTGGGAGAAAGGAC[A>T]CTCGCCTGTGATGGGAGAGGCACTCATATTTGGGTCTGTGGTCTGGGCTGTGTGGGTGGG-3'

ClinVar aggregate classification (germline): Benign (1 of 4 stars; one submission).

Allele frequency attached by ClinVar (database versions not stated): TOPMed 0.12099; 1000 Genomes Project 0.12161; gnomAD 0.12433 and 0.12496; 1000 Genomes Project 30x 0.12555.
gnomAD v4.1: 18,955 of 151,950 alleles (12%); highest among the groups gnomAD compares: South Asian, 19%; 1,297 homozygotes.

Submission:

GeneDx
Classification: Benign. Last evaluated: 2018-06-14. Review status: criteria provided, single submitter. Criteria: GeneDx Variant Classification (06012015). Collection method: clinical testing. Allele origin: germline. Affected: yes.
Comment: This variant is considered likely benign or benign based on one or more of the following criteria: it is a conservative change, it occurs at a poorly conserved position in the protein, it is predicted to be benign by multiple in silico algorithms, and/or has population frequency not consistent with disease.